The following is an entry in ClinVar:

ClinVar aggregate classification (germline): Conflicting classifications of pathogenicity. Review status: criteria provided, conflicting classifications (1 of 4 stars). 3 submissions from 3 submitters: Uncertain significance (2); Likely benign (1). Last evaluated 2025-03-23.

Conditions:
GTP cyclohydrolase I deficiency. Identifiers: MedGen C0268467, MONDO:0100184.
Dystonia 5 (DRD). Also called: DYSTONIA, PROGRESSIVE, WITH DIURNAL VARIATION; DYSTONIA-PARKINSONISM WITH DIURNAL FLUCTUATION; Dystonia, DOPA-responsive, with or without hyperphenylalaninemia; DYT-GCH1; GTP Cyclohydrolase 1-Deficient Dopa-Responsive Dystonia. Identifiers: Orphanet 98808, MedGen C1851920, MONDO:0007495, OMIM 128230.

Allele frequency attached by ClinVar (database versions not stated): gnomAD exomes 0.00001 and 0.00009; gnomAD 0.00003; TOPMed 0.00006; ExAC 0.00007.
gnomAD v4.1: 20 of 1,612,940 alleles (0.0012%); highest among the groups gnomAD compares: East Asian, 0.045%; no homozygotes.

Submissions (3):

Labcorp Genetics (formerly Invitae), Labcorp
Classification: Likely benign for GTP cyclohydrolase I deficiency; Dystonia 5. Last evaluated: 2025-03-23. Review status: criteria provided, single submitter. Criteria: Invitae Variant Classification Sherloc (09022015). Collection method: clinical testing. Allele origin: germline.

Women's Health and Genetics/Laboratory Corporation of America, LabCorp
Classification: Uncertain significance. Last evaluated: 2024-06-11. Review status: criteria provided, single submitter. Criteria: LabCorp Variant Classification Summary - May 2015. Collection method: clinical testing. Allele origin: germline.
Comment: Variant summary: GCH1 c.239G>A (p.Ser80Asn) results in a conservative amino acid change located in the GTP cyclohydrolase I domain (IPR020602) of the encoded protein sequence. Four of five in-silico tools predict a benign effect of the variant on protein function. The variant allele was found at a frequency of 8.8e-05 in 248794 control chromosomes. This frequency is not significantly higher than estimated for a pathogenic variant in GCH1 causing Dystonia 5, allowing no conclusion about variant significance. c.239G>A has been reported in the literature in individuals affected with autosomal dominant Dystonia 5 or Parkinson Disease without strong evidence for causality (segregation) (Cao_2010, Sun_2023, Xu_2017, Yan_2018, Chen_2022, Pan_2020, Li_2020). These data do not allow any conclusion about variant significance. To our knowledge, no experimental evidence demonstrating an impact on protein function has been reported. The following publications have been ascertained in the context of this evaluation (PMID: 20437540, 35861376, 36645631, 32171587, 32746945, 37198191, 28582483, 29724574). ClinVar contains an entry for this variant (Variation ID: 1187065). Based on the evidence outlined above, the variant was classified as uncertain significance.

GeneDx
Classification: Uncertain significance. Last evaluated: 2021-01-13. Review status: criteria provided, single submitter. Criteria: GeneDx Variant Classification Process June 2021. Collection method: clinical testing. Allele origin: germline. Affected: yes.
Comment: In silico analysis supports that this missense variant does not alter protein structure/function; Observed in the heterozygous state in Chinese patients with dystonia and Parkinson's disease, but familial segregation information was not included in these studies (Cao et al., 2010; Xu et al., 2017; Yan et al., 2018); This variant is associated with the following publications: (PMID: 29724574, 28582483, 30314816, 29484265, 27619486, 20437540)

Literature cited by the submitters: PubMed 29724574 (cited by Women's Health and Genetics/Laboratory Corporation of America, LabCorp); PubMed 35861376 (cited by Women's Health and Genetics/Laboratory Corporation of America, LabCorp); PubMed 20437540 (cited by Women's Health and Genetics/Laboratory Corporation of America, LabCorp); PubMed 36645631 (cited by Women's Health and Genetics/Laboratory Corporation of America, LabCorp); PubMed 32171587 (cited by Women's Health and Genetics/Laboratory Corporation of America, LabCorp); PubMed 32746945 (cited by Women's Health and Genetics/Laboratory Corporation of America, LabCorp); PubMed 37198191 (cited by Women's Health and Genetics/Laboratory Corporation of America, LabCorp); PubMed 28582483 (cited by Women's Health and Genetics/Laboratory Corporation of America, LabCorp).

NM_000161.3(GCH1):c.239G>A (p.Ser80Asn)

Gene: GCH1 (GTP cyclohydrolase 1; minus strand). Cytogenetic location: 14q22.2.
Variant type: single nucleotide variant.
Coding change: c.239G>A on transcript NM_000161.3 (MANE Select); coding-DNA position 239, G replaced by A.
Protein change: p.Ser80Asn; replaces serine 80 with asparagine.
Molecular consequence: missense variant.
Genome position (GRCh38, 1-based): chr14:54,902,425, C>T on the plus strand (G>A on the coding strand, the complement: GCH1 is on the minus strand). VCF-style: chr14-54902425-C-T. GRCh37 (hg19) VCF-style: chr14-55369143-C-T.
Other names: c.239G>A, p.Ser80Asn (NM_001024024.2, NM_001024070.2, NM_001024071.2); short protein forms S80N.
Identifiers: ClinVar variation 1187065 (VCV001187065.8), dbSNP rs770547722, ClinGen allele CA7193654.